The following is an entry in ClinVar:

NM_001843.4(CNTN1):c.27T>A (p.His9Gln)

Gene: CNTN1 (contactin 1; plus strand). Cytogenetic location: 12q12.
Variant type: single nucleotide variant.
Coding change: c.27T>A on transcript NM_001843.4 (MANE Select); coding-DNA position 27, T replaced by A.
Protein change: p.His9Gln; replaces histidine 9 with glutamine.
Molecular consequence: missense variant.
Genome position (GRCh38, 1-based): chr12:40,908,459, T>A. VCF-style: chr12-40908459-T-A. GRCh37 (hg19) VCF-style: chr12-41302261-T-A.
Other names: c.27T>A, p.His9Gln (NM_001256063.2, NM_001256064.2, NM_175038.2); short protein forms H9Q.
Identifiers: ClinVar variation 1415620 (VCV001415620.6), dbSNP rs745850349, ClinGen allele CA6516492.

ClinVar aggregate classification (germline): Uncertain significance (1 of 4 stars; one submission).

Conditions:
Compton-North congenital myopathy (CMYO12). Identifiers: Orphanet 210163, MedGen C2675527, MONDO:0012929, OMIM 612540.

Allele frequency attached by ClinVar (database versions not stated): ExAC 0.00001; gnomAD exomes 0.00001 and 0.00002.
gnomAD v4.1: 12 of 1,612,750 alleles (0.00074%); highest among the groups gnomAD compares: East Asian, 0.027%; no homozygotes.

Submission:

Labcorp Genetics (formerly Invitae), Labcorp
Classification: Uncertain significance for Compton-North congenital myopathy. Last evaluated: 2022-12-06. Review status: criteria provided, single submitter. Criteria: Invitae Variant Classification Sherloc (09022015). Collection method: clinical testing. Allele origin: germline.
Comment: This variant is present in population databases (rs745850349, gnomAD 0.01%). This sequence change replaces histidine, which is basic and polar, with glutamine, which is neutral and polar, at codon 9 of the CNTN1 protein (p.His9Gln). This variant has not been reported in the literature in individuals affected with CNTN1-related conditions. ClinVar contains an entry for this variant (Variation ID: 1415620). Advanced modeling of protein sequence and biophysical properties (such as structural, functional, and spatial information, amino acid conservation, physicochemical variation, residue mobility, and thermodynamic stability) performed at Invitae indicates that this missense variant is not expected to disrupt CNTN1 protein function. In summary, the available evidence is currently insufficient to determine the role of this variant in disease. Therefore, it has been classified as a Variant of Uncertain Significance.